The following is an entry in ClinVar:

NM_001303052.2(MYT1L):c.634G>C (p.Ala212Pro)

Gene: MYT1L (myelin transcription factor 1 like; minus strand). Cytogenetic location: 2p25.3.
Variant type: single nucleotide variant.
Coding change: c.634G>C on transcript NM_001303052.2 (MANE Select); coding-DNA position 634, G replaced by C.
Protein change: p.Ala212Pro; replaces alanine 212 with proline.
Molecular consequence: missense variant.
Genome position (GRCh38, 1-based): chr2:1,923,135, C>G on the plus strand (G>C on the coding strand, the complement: MYT1L is on the minus strand). VCF-style: chr2-1923135-C-G. GRCh37 (hg19) VCF-style: chr2-1926907-C-G.
Other names: c.634G>C, p.Ala212Pro (NM_001329844.2, NM_001329845.1, NM_001329846.3 and 6 more transcripts); short protein forms A212P.
Identifiers: ClinVar variation 4282499 (VCV004282499.1).

ClinVar aggregate classification (germline): Uncertain significance (1 of 4 stars; one submission).

Submission:

GeneDx
Classification: Uncertain significance. Last evaluated: 2025-04-03. Review status: criteria provided, single submitter. Criteria: GeneDx Variant Classification Process June 2021. Collection method: clinical testing. Allele origin: germline. Affected: yes.
Comment: Not observed at significant frequency in large population cohorts (gnomAD); In silico analysis indicates that this missense variant does not alter protein structure/function; Has not been previously published as pathogenic or benign to our knowledge